The following is an entry in ClinVar:

ClinVar aggregate classification (germline): Uncertain significance. Review status: criteria provided, multiple submitters, no conflicts (2 of 4 stars). 3 submissions from 3 submitters: Uncertain significance (3). Last evaluated 2021-12-28.

Conditions:
Autosomal recessive limb-girdle muscular dystrophy type 2J (LGMDR10). Also called: Limb-girdle muscular dystrophy, type 2J; MUSCULAR DYSTROPHY, LIMB-GIRDLE, AUTOSOMAL RECESSIVE 10. Identifiers: Orphanet 140922, MedGen C1837342, MONDO:0012127, OMIM 608807.
Hypertrophic cardiomyopathy 9. Also called: Familial hypertrophic cardiomyopathy 9. Identifiers: MedGen C1861065, MONDO:0013412, OMIM 613765.
Early-onset myopathy with fatal cardiomyopathy (CMYO5). Also called: CONGENITAL MYOPATHY 5 WITH CARDIOMYOPATHY; Salih Myopathy. Identifiers: Orphanet 289377, MedGen C2673677, MONDO:0012714, OMIM 611705. Disease mechanism: loss of function.
Dilated cardiomyopathy 1G (CMD1G). Identifiers: Orphanet 154, MedGen C1858763, MONDO:0011400, OMIM 604145.
Myopathy, myofibrillar, 9, with early respiratory failure (MFM9). Also called: Hereditary myopathy with early respiratory failure; EDSTROM MYOPATHY; MYOPATHY, PROXIMAL, WITH EARLY RESPIRATORY MUSCLE INVOLVEMENT; Myopathy, distal, with early respiratory failure, autosomal dominant. Identifiers: Orphanet 178464, Orphanet 34521, MedGen C1863599, MONDO:0011362, OMIM 603689.
Tibial muscular dystrophy (TMD). Also called: Udd Distal Myopathy – Tibial Muscular Dystrophy; UDD MYOPATHY; Tibial muscular dystrophy, tardive. Identifiers: Orphanet 609, MedGen C1838244, MONDO:0010870, OMIM 600334.

Allele frequency attached by ClinVar (database versions not stated): ExAC 0.00001; gnomAD 0.00001; gnomAD exomes 0.00001; TOPMed 0.00002; ESP Exome Variant Server 0.00008.
gnomAD v4.1: 9 of 1,613,972 alleles (0.00056%); highest among the groups gnomAD compares: East Asian, 0.0067%; no homozygotes.

Submissions (3):

Fulgent Genetics
Classification: Uncertain significance for Tibial muscular dystrophy; Myopathy, myofibrillar, 9, with early respiratory failure; Dilated cardiomyopathy 1G; Autosomal recessive limb-girdle muscular dystrophy type 2J; Early-onset myopathy with fatal cardiomyopathy; Hypertrophic cardiomyopathy 9. Last evaluated: 2021-12-28. Review status: criteria provided, single submitter. Criteria: ACMG Guidelines, 2015. Collection method: clinical testing. Allele origin: unknown.

GeneDx
Classification: Uncertain significance. Last evaluated: 2019-08-19. Review status: criteria provided, single submitter. Criteria: GeneDx Variant Classification Process June 2021. Collection method: clinical testing. Allele origin: germline. Affected: yes.
Comment: Has not been previously published as pathogenic or benign to our knowledge; Not observed at a significant frequency in large population cohorts (Lek et al., 2016); Missense variant in a gene in which most reported pathogenic variants are truncating/loss-of-function; Not located in the A-band nor the M-line region of titin, where the majority of pathogenic truncating variants have been reported

Revvity Omics, Revvity
Classification: Uncertain significance. Last evaluated: 2019-08-07. Review status: criteria provided, single submitter. Criteria: ACMG Guidelines, 2015. Collection method: clinical testing. Allele origin: germline.

NM_001267550.2(TTN):c.8713G>A (p.Val2905Met)

Gene: TTN (titin; minus strand). Cytogenetic location: 2q31.2.
Variant type: single nucleotide variant.
Coding change: c.8713G>A on transcript NM_001267550.2 (MANE Select); coding-DNA position 8713, G replaced by A.
Protein change: p.Val2905Met; replaces valine 2905 with methionine.
Molecular consequence: missense variant.
Genome position (GRCh38, 1-based): chr2:178,769,868, C>T on the plus strand (G>A on the coding strand, the complement: TTN is on the minus strand). VCF-style: chr2-178769868-C-T. GRCh37 (hg19) VCF-style: chr2-179634595-C-T.
Other names: c.8713G>A, p.Val2905Met (NM_001256850.1, NM_133378.4, NM_133379.5); c.8575G>A, p.Val2859Met (NM_003319.4, NM_133432.3, NM_133437.4); short protein forms V2859M, V2905M.
Identifiers: ClinVar variation 1308005 (VCV001308005.5), dbSNP rs369380469, ClinGen allele CA2004549.